The following is an entry in ClinVar:

NM_007103.4(NDUFV1):c.150C>T (p.Asp50=)

Gene: NDUFV1 (NADH:ubiquinone oxidoreductase core subunit V1; plus strand). Cytogenetic location: 11q13.2.
Variant type: single nucleotide variant.
Coding change: c.150C>T on transcript NM_007103.4 (MANE Select); coding-DNA position 150, C replaced by T.
Protein change: p.Asp50=; no amino-acid change (aspartic acid 50 retained).
Molecular consequence: synonymous variant.
Genome position (GRCh38, 1-based): chr11:67,608,473, C>T. VCF-style: chr11-67608473-C-T. GRCh37 (hg19) VCF-style: chr11-67375944-C-T.
Other names: p.D50D:GAC>GAT; c.123C>T, p.Asp41= (NM_001166102.2).
Identifiers: ClinVar variation 214842 (VCV000214842.18), dbSNP rs11540012, ClinGen allele CA324342.

ClinVar aggregate classification (germline): Conflicting classifications of pathogenicity. Review status: criteria provided, conflicting classifications (1 of 4 stars). 5 submissions from 4 submitters: Uncertain significance (1); Benign (2); Likely benign (1). 1 of the submissions does not count toward it. Last evaluated 2026-02-02.

Conditions:
Leigh syndrome (NULS). Also called: LEIGH SYNDROME, NUCLEAR; Leigh Disease; Leigh's necrotizing encephalopathy; Leigh's disease; Leigh Syndrome (mtDNA deletion); Subacute necrotizing encephalopathy. Identifiers: Orphanet 506, MedGen C2931891, MONDO:0009723, OMIM 256000.
Mitochondrial complex I deficiency, nuclear type 1. Also called: NADH-COENZYME Q REDUCTASE DEFICIENCY; MITOCHONDRIAL NADH DEHYDROGENASE COMPONENT OF COMPLEX I, DEFICIENCY OF. Identifiers: MedGen C6022305, MONDO:0100224, OMIM 252010.

Allele frequency attached by ClinVar (database versions not stated): ESP Exome Variant Server 0.00092; gnomAD 0.00143 and 0.00166; TOPMed 0.00175; gnomAD exomes 0.00230 and 0.00257; ExAC 0.00275; 1000 Genomes Project 30x 0.00344; 1000 Genomes Project 0.00379.
gnomAD v4.1: 3,598 of 1,614,150 alleles (0.22%); highest among the groups gnomAD compares: East Asian, 2.7%; 26 homozygotes.

Submissions (5):

Labcorp Genetics (formerly Invitae), Labcorp
Classification: Benign. Last evaluated: 2026-02-02. Review status: criteria provided, single submitter. Criteria: Invitae Variant Classification Sherloc (09022015). Collection method: clinical testing. Allele origin: germline.

Illumina Laboratory Services, Illumina
Classification: Likely benign for Leigh syndrome. Last evaluated: 2018-01-12. Review status: criteria provided, single submitter. Criteria: ICSL Variant Classification Criteria 13 December 2019. Collection method: clinical testing. Allele origin: germline.
Comment: This variant was observed in the ICSL laboratory as part of a predisposition screen in an ostensibly healthy population. It had not been previously curated by ICSL or reported in the Human Gene Mutation Database (HGMD: prior to June 1st, 2018), and was therefore a candidate for classification through an automated scoring system. Utilizing variant allele frequency, disease prevalence and penetrance estimates, and inheritance mode, an automated score was calculated to assess if this variant is too frequent to cause the disease. Based on the score and internal cut-off values, a variant classified as likely benign is not then subjected to further curation. The score for this variant resulted in a classification of likely benign for this disease.

Illumina Laboratory Services, Illumina
Classification: Uncertain significance for Mitochondrial complex I deficiency, nuclear type 1. Last evaluated: 2018-01-12. Review status: criteria provided, single submitter. Criteria: ICSL Variant Classification Criteria 13 December 2019. Collection method: clinical testing. Allele origin: germline.

GeneDx
Classification: Benign. Last evaluated: 2014-08-20. Review status: criteria provided, single submitter. Criteria: GeneDx Variant Classification (06012015). Collection method: clinical testing. Allele origin: germline. Affected: yes.
Comment: This variant is considered likely benign or benign based on one or more of the following criteria: it is a conservative change, it occurs at a poorly conserved position in the protein, it is predicted to be benign by multiple in silico algorithms, and/or has population frequency not consistent with disease.

Mayo Clinic Laboratories, Mayo Clinic
Classification: Benign. Last evaluated: 2017-06-13. Review status: no assertion criteria provided. Collection method: clinical testing. Allele origin: unknown. Not counted in ClinVar's aggregate classification.